The following is an entry in ClinVar:

ClinVar aggregate classification (germline): Uncertain significance. Review status: criteria provided, multiple submitters, no conflicts (2 of 4 stars). 5 submissions from 5 submitters: Uncertain significance (5). Last evaluated 2025-02-04.

Conditions:
Inborn genetic diseases. Identifiers: MedGen C0950123, MeSH D030342.

Allele frequency attached by ClinVar (database versions not stated): ESP Exome Variant Server 0.00023; TOPMed 0.00044.
gnomAD v4.1: 99 of 1,607,234 alleles (0.0062%); highest among the groups gnomAD compares: African/African-American, 0.12%; no homozygotes.

Submissions (5):

Ambry Genetics
Classification: Uncertain significance for Inborn genetic diseases. Last evaluated: 2025-02-04. Review status: criteria provided, single submitter. Criteria: Ambry Variant Classification Scheme 2023. Collection method: clinical testing. Allele origin: germline.

Labcorp Genetics (formerly Invitae), Labcorp
Classification: Uncertain significance. Last evaluated: 2024-12-02. Review status: criteria provided, single submitter. Criteria: Invitae Variant Classification Sherloc (09022015). Collection method: clinical testing. Allele origin: germline.
Comment: This sequence change replaces arginine, which is basic and polar, with glycine, which is neutral and non-polar, at codon 898 of the PTPN23 protein (p.Arg898Gly). This variant is present in population databases (rs140769194, gnomAD 0.09%). This variant has not been reported in the literature in individuals affected with PTPN23-related conditions. ClinVar contains an entry for this variant (Variation ID: 1321030). Experimental studies and prediction algorithms are not available or were not evaluated, and the functional significance of this variant is currently unknown. In summary, the available evidence is currently insufficient to determine the role of this variant in disease. Therefore, it has been classified as a Variant of Uncertain Significance.

Greenwood Genetic Center Diagnostic Laboratories, Greenwood Genetic Center
Classification: Uncertain significance. Last evaluated: 2022-01-19. Review status: criteria provided, single submitter. Criteria: ACMG Guidelines, 2015. Collection method: clinical testing. Allele origin: germline. Affected: yes.
Comment: No ACMG criteria can be applied

GeneDx
Classification: Uncertain significance. Last evaluated: 2019-08-23. Review status: criteria provided, single submitter. Criteria: GeneDx Variant Classification Process June 2021. Collection method: clinical testing. Allele origin: germline. Affected: yes.
Comment: Has not been previously published as pathogenic or benign to our knowledge; In silico analysis, which includes protein predictors and evolutionary conservation, supports that this variant does not alter protein structure/function

Breakthrough Genomics
Classification: Uncertain significance. Review status: criteria provided, single submitter. Criteria: ACMG Guidelines, 2015. Collection method: not provided. Allele origin: germline. Inheritance: Autosomal recessive inheritance. Affected: yes.

NM_015466.4(PTPN23):c.2692C>G (p.Arg898Gly)

Gene: PTPN23 (protein tyrosine phosphatase non-receptor type 23; plus strand). Cytogenetic location: 3p21.31.
Variant type: single nucleotide variant.
Coding change: c.2692C>G on transcript NM_015466.4 (MANE Select); coding-DNA position 2692, C replaced by G.
Protein change: p.Arg898Gly; replaces arginine 898 with glycine.
Molecular consequence: missense variant.
Genome position (GRCh38, 1-based): chr3:47,410,490, C>G. VCF-style: chr3-47410490-C-G. GRCh37 (hg19) VCF-style: chr3-47451980-C-G.
Other names: c.2314C>G, p.Arg772Gly (NM_001304482.2); short protein forms R772G, R898G.
Identifiers: ClinVar variation 1321030 (VCV001321030.11), dbSNP rs140769194, ClinGen allele CA2366104.